The following is an entry in ClinVar:

ClinVar aggregate classification (germline): Uncertain significance. Review status: criteria provided, multiple submitters, no conflicts (2 of 4 stars). 2 submissions from 2 submitters: Uncertain significance (2). Last evaluated 2024-05-07.

Conditions:
Inborn genetic diseases. Identifiers: MedGen C0950123, MeSH D030342.

Allele frequency attached by ClinVar (database versions not stated): gnomAD exomes below 0.00001.
gnomAD v4.1: 1 of 1,613,958 alleles (0.000062%); highest among the groups gnomAD compares: Non-Finnish European, 0.000085%; no homozygotes.

Submissions (2):

Ambry Genetics
Classification: Uncertain significance for Inborn genetic diseases. Last evaluated: 2024-05-07. Review status: criteria provided, single submitter. Criteria: Ambry Variant Classification Scheme 2023. Collection method: clinical testing. Allele origin: germline.
Comment: The p.S529P variant (also known as c.1585T>C), located in coding exon 7 of the ATR gene, results from a T to C substitution at nucleotide position 1585. The serine at codon 529 is replaced by proline, an amino acid with similar properties. This amino acid position is conserved. In addition, this alteration is predicted to be tolerated by in silico analysis. Based on the available evidence, the clinical significance of this variant remains unclear.

Labcorp Genetics (formerly Invitae), Labcorp
Classification: Uncertain significance. Last evaluated: 2023-01-18. Review status: criteria provided, single submitter. Criteria: Invitae Variant Classification Sherloc (09022015). Collection method: clinical testing. Allele origin: germline.
Comment: In summary, the available evidence is currently insufficient to determine the role of this variant in disease. Therefore, it has been classified as a Variant of Uncertain Significance. Algorithms developed to predict the effect of missense changes on protein structure and function output the following: SIFT: "Tolerated"; PolyPhen-2: "Benign"; Align-GVGD: "Class C0". The proline amino acid residue is found in multiple mammalian species, which suggests that this missense change does not adversely affect protein function. This variant has not been reported in the literature in individuals affected with ATR-related conditions. This variant is not present in population databases (gnomAD no frequency). This sequence change replaces serine, which is neutral and polar, with proline, which is neutral and non-polar, at codon 529 of the ATR protein (p.Ser529Pro).

NM_001184.4(ATR):c.1585T>C (p.Ser529Pro)

Gene: ATR (ATR checkpoint kinase; minus strand). Cytogenetic location: 3q23.
Variant type: single nucleotide variant.
Coding change: c.1585T>C on transcript NM_001184.4 (MANE Select); coding-DNA position 1585, T replaced by C.
Protein change: p.Ser529Pro; replaces serine 529 with proline.
Molecular consequence: missense variant.
Genome position (GRCh38, 1-based): chr3:142,559,398, A>G on the plus strand (T>C on the coding strand, the complement: ATR is on the minus strand). VCF-style: chr3-142559398-A-G. GRCh37 (hg19) VCF-style: chr3-142278240-A-G.
Other names: c.1585T>C (NM_001184.3); c.1393T>C, p.Ser465Pro (NM_001354579.2); short protein forms S529P, S465P.
Identifiers: ClinVar variation 2912041 (VCV002912041.4), dbSNP rs2473412435, ClinGen allele CA354822392.